The following is an entry in ClinVar:

ClinVar aggregate classification (germline): Pathogenic (1 of 4 stars; one submission).

Conditions:
Familial adenomatous polyposis 1 (FAP1). Also called: POLYPOSIS, ADENOMATOUS INTESTINAL; FAMILIAL ADENOMATOUS POLYPOSIS 1, ATTENUATED. Identifiers: MedGen C2713442, MONDO:0021056, OMIM 175100. Disease mechanism: loss of function.

Submission:

Labcorp Genetics (formerly Invitae), Labcorp
Classification: Pathogenic for Familial adenomatous polyposis 1. Last evaluated: 2022-04-18. Review status: criteria provided, single submitter. Criteria: Invitae Variant Classification Sherloc (09022015). Collection method: clinical testing. Allele origin: germline.
Comment: This sequence change affects a donor splice site in intron 3 of the APC gene. RNA analysis indicates that disruption of this splice site induces altered splicing and may result in an absent or disrupted protein product. For these reasons, this variant has been classified as Pathogenic. Studies have shown that disruption of this splice site results in activation of a cryptic splice site and introduces a premature termination codon (Invitae). The resulting mRNA is expected to undergo nonsense-mediated decay. Disruption of this splice site has been observed in individual(s) with familial adenomatous polyposis (Invitae). This variant is not present in population databases (gnomAD no frequency).

NM_000038.6(APC):c.220+1G>T

Gene: APC (APC regulator of Wnt signaling pathway; plus strand). Cytogenetic location: 5q22.2.
Variant type: single nucleotide variant.
Coding change: c.220+1G>T on transcript NM_000038.6 (MANE Select); the canonical splice donor site of the intron after coding-DNA position 220, G replaced by T.
Molecular consequence: splice donor variant.
Genome position (GRCh38, 1-based): chr5:112,766,411, G>T. VCF-style: chr5-112766411-G-T. GRCh37 (hg19) VCF-style: chr5-112102108-G-T.
Other names: c.-816+1G>T (NM_001407470.1, NM_001407472.1, NM_001354906.2 and 1 more transcripts); c.220+1G>T (NM_001407447.1, NM_001354895.2, NM_001407456.1 and 16 more transcripts); c.250+1G>T (NM_001407446.1, NM_001354897.2, NM_001354902.2 and 1 more transcripts); c.43+1G>T (NM_001407453.1, NM_001354900.2, NM_001354901.2 and 1 more transcripts); c.145+1G>T (NM_001407451.1, NM_001354898.2, NM_001354904.2).
Identifiers: ClinVar variation 2127851 (VCV002127851.4), dbSNP rs1554069570, ClinGen allele CA360617467.
Genomic context (GRCh38, chr5:112,766,411, plus strand): 5'-GTATTGAAGATGAAGCTATGGCTTCTTCTGGACAGATTGATTTATTAGAGCGTCTTAAAG[G>T]TAGATTTTAAAAAGGTGTTTTAAAATAATTTTTTAAGCTCAAATTGTCATCTTTAGGTGT-3'